The following is an entry in ClinVar:

NM_177438.3(DICER1):c.3513T>G (p.Asp1171Glu)

Gene: DICER1 (dicer 1, ribonuclease III; minus strand). Cytogenetic location: 14q32.13.
Variant type: single nucleotide variant.
Coding change: c.3513T>G on transcript NM_177438.3 (MANE Select); coding-DNA position 3513, T replaced by G.
Protein change: p.Asp1171Glu; replaces aspartic acid 1171 with glutamic acid.
Molecular consequence: missense variant. On other transcripts: non-coding transcript variant (6).
Genome position (GRCh38, 1-based): chr14:95,103,883, A>C on the plus strand (T>G on the coding strand, the complement: DICER1 is on the minus strand). VCF-style: chr14-95103883-A-C. GRCh37 (hg19) VCF-style: chr14-95570220-A-C.
Other names: c.3513T>G, p.Asp1171Glu (NM_001195573.1, NM_001271282.3, NM_001291628.2 and 12 more transcripts); c.3231T>G, p.Asp1077Glu (NM_001395686.1); c.3108T>G, p.Asp1036Glu (NM_001395687.1, NM_001395688.1, NM_001395689.1 and 2 more transcripts); c.2946T>G, p.Asp982Glu (NM_001395691.1); c.1830T>G, p.Asp610Glu (NM_001395697.1); short protein forms D1036E, D1077E, D1171E, D610E, D982E.
Identifiers: ClinVar variation 3604564 (VCV003604564.2).

ClinVar aggregate classification (germline): Uncertain significance (1 of 4 stars; one submission).

Conditions:
DICER1-related tumor predisposition. Also called: DICER1 syndrome; DICER1-related pleuropulmonary blastoma cancer predisposition syndrome. Identifiers: Orphanet 284343, MedGen C3839822, MONDO:0100216.

Submission:

Labcorp Genetics (formerly Invitae), Labcorp
Classification: Uncertain significance for DICER1-related tumor predisposition. Last evaluated: 2024-08-11. Review status: criteria provided, single submitter. Criteria: Invitae Variant Classification Sherloc (09022015). Collection method: clinical testing. Allele origin: germline.
Comment: This sequence change replaces aspartic acid, which is acidic and polar, with glutamic acid, which is acidic and polar, at codon 1171 of the DICER1 protein (p.Asp1171Glu). This variant is not present in population databases (gnomAD no frequency). This variant has not been reported in the literature in individuals affected with DICER1-related conditions. Advanced modeling of protein sequence and biophysical properties (such as structural, functional, and spatial information, amino acid conservation, physicochemical variation, residue mobility, and thermodynamic stability) performed at Invitae indicates that this missense variant is not expected to disrupt DICER1 protein function with a negative predictive value of 80%. In summary, the available evidence is currently insufficient to determine the role of this variant in disease. Therefore, it has been classified as a Variant of Uncertain Significance.